The following is an entry in ClinVar:

NM_000285.4(PEPD):c.178G>A (p.Asp60Asn)

Gene: PEPD (peptidase D; minus strand). Cytogenetic location: 19q13.11.
Variant type: single nucleotide variant.
Coding change: c.178G>A on transcript NM_000285.4 (MANE Select); coding-DNA position 178, G replaced by A.
Protein change: p.Asp60Asn; replaces aspartic acid 60 with asparagine.
Molecular consequence: missense variant.
Genome position (GRCh38, 1-based): chr19:33,512,616, C>T on the plus strand (G>A on the coding strand, the complement: PEPD is on the minus strand). VCF-style: chr19-33512616-C-T. GRCh37 (hg19) VCF-style: chr19-34003522-C-T.
Other names: c.178G>A, p.Asp60Asn (NM_001166056.2, NM_001166057.2); c.178G>A (NM_000285.3); short protein forms D60N.
Identifiers: ClinVar variation 1446353 (VCV001446353.7), dbSNP rs781520198, ClinGen allele CA9364474.

ClinVar aggregate classification (germline): Uncertain significance. Review status: criteria provided, multiple submitters, no conflicts (2 of 4 stars). 2 submissions from 2 submitters: Uncertain significance (2). Last evaluated 2025-08-03.

Conditions:
Inborn genetic diseases. Identifiers: MedGen C0950123, MeSH D030342.

Allele frequency attached by ClinVar (database versions not stated): TOPMed below 0.00001; gnomAD exomes 0.00002; ExAC 0.00003.
gnomAD v4.1: 27 of 1,613,886 alleles (0.0017%); highest among the groups gnomAD compares: Middle Eastern, 0.017%; no homozygotes.

Submissions (2):

Ambry Genetics
Classification: Uncertain significance for Inborn genetic diseases. Last evaluated: 2025-08-03. Review status: criteria provided, single submitter. Criteria: Ambry Variant Classification Scheme 2023. Collection method: clinical testing. Allele origin: germline.

Labcorp Genetics (formerly Invitae), Labcorp
Classification: Uncertain significance. Last evaluated: 2022-06-09. Review status: criteria provided, single submitter. Criteria: Invitae Variant Classification Sherloc (09022015). Collection method: clinical testing. Allele origin: germline.
Comment: This sequence change replaces aspartic acid, which is acidic and polar, with asparagine, which is neutral and polar, at codon 60 of the PEPD protein (p.Asp60Asn). This variant is present in population databases (rs781520198, gnomAD 0.01%). This variant has not been reported in the literature in individuals affected with PEPD-related conditions. Algorithms developed to predict the effect of missense changes on protein structure and function are either unavailable or do not agree on the potential impact of this missense change (SIFT: "Deleterious"; PolyPhen-2: "Probably Damaging"; Align-GVGD: "Class C0"). In summary, the available evidence is currently insufficient to determine the role of this variant in disease. Therefore, it has been classified as a Variant of Uncertain Significance.